The following is an entry in ClinVar:

ClinVar aggregate classification (germline): Pathogenic (1 of 4 stars; one submission).

Conditions:
Hereditary nonpolyposis colorectal neoplasms. Identifiers: MedGen C0009405, MeSH D003123.

Submission:

Labcorp Genetics (formerly Invitae), Labcorp
Classification: Pathogenic for Hereditary nonpolyposis colorectal neoplasms. Last evaluated: 2023-11-01. Review status: criteria provided, single submitter. Criteria: Invitae Variant Classification Sherloc (09022015). Collection method: clinical testing. Allele origin: germline.
Comment: This sequence change creates a premature translational stop signal (p.Asp1277Glufs*13) in the MSH6 gene. It is expected to result in an absent or disrupted protein product. Loss-of-function variants in MSH6 are known to be pathogenic (PMID: 18269114, 24362816). This variant is not present in population databases (gnomAD no frequency). This variant has not been reported in the literature in individuals affected with MSH6-related conditions. ClinVar contains an entry for this variant (Variation ID: 410442). For these reasons, this variant has been classified as Pathogenic.

Literature cited by the submitters: PubMed 18269114; PubMed 24362816.

NM_000179.3(MSH6):c.3827_3830dup (p.Asp1277fs)

Gene: MSH6 (mutS homolog 6; plus strand). Cytogenetic location: 2p16.3.
Variant type: Duplication.
Coding change: c.3827_3830dup on transcript NM_000179.3 (MANE Select); coding-DNA positions 3827 to 3830, 4 bases duplicated (AAGA; older notation c.3827_3830dupAAGA).
Protein change: p.Asp1277fs; shifts the reading frame from aspartic acid 1277.
Molecular consequence: frameshift variant.
Genome position (GRCh38, 1-based): chr2:47,806,477-47,806,480, AAGA duplicated. VCF-style (leftmost placement, unchanged base first): chr2-47806476-G-GAAGA. GRCh37 (hg19) VCF-style: chr2-48033615-G-GAAGA.
Other names: c.3827_3830dupAAGA (NM_000179.2); c.3437_3440dup, p.Asp1147fs (NM_001281492.2); c.2921_2924dup, p.Asp975fs (NM_001281493.2, NM_001281494.2); short protein forms D1147fs, D1277fs, D975fs.
Identifiers: ClinVar variation 410442 (VCV000410442.9), dbSNP rs1060502903, ClinGen allele CA16611075.